The following is an entry in ClinVar:

ClinVar aggregate classification (germline): Uncertain significance (1 of 4 stars; one submission).

gnomAD v4.1: 1 of 1,614,018 alleles (0.000062%); highest among the groups gnomAD compares: African/African-American, 0.0013%; no homozygotes.

Submission:

Labcorp Genetics (formerly Invitae), Labcorp
Classification: Uncertain significance. Last evaluated: 2024-11-05. Review status: criteria provided, single submitter. Criteria: Invitae Variant Classification Sherloc (09022015). Collection method: clinical testing. Allele origin: germline.
Comment: This sequence change replaces glycine, which is neutral and non-polar, with alanine, which is neutral and non-polar, at codon 112 of the ASXL1 protein (p.Gly112Ala). This variant is not present in population databases (gnomAD no frequency). This variant has not been reported in the literature in individuals affected with ASXL1-related conditions. An algorithm developed to predict the effect of missense changes on protein structure and function (PolyPhen-2) suggests that this variant is likely to be disruptive. In summary, the available evidence is currently insufficient to determine the role of this variant in disease. Therefore, it has been classified as a Variant of Uncertain Significance.

NM_015338.6(ASXL1):c.335G>C (p.Gly112Ala)

Gene: ASXL1 (ASXL transcriptional regulator 1; plus strand). Cytogenetic location: 20q11.21.
Variant type: single nucleotide variant.
Coding change: c.335G>C on transcript NM_015338.6 (MANE Select); coding-DNA position 335, G replaced by C.
Protein change: p.Gly112Ala; replaces glycine 112 with alanine.
Molecular consequence: missense variant.
Genome position (GRCh38, 1-based): chr20:32,428,210, G>C. VCF-style: chr20-32428210-G-C. GRCh37 (hg19) VCF-style: chr20-31016013-G-C.
Other names: c.305G>C, p.Gly102Ala (NM_001363734.1); short protein forms G112A, G102A.
Identifiers: ClinVar variation 3640073 (VCV003640073.2).